The following is an entry in ClinVar:

ClinVar aggregate classification (germline): Likely pathogenic (1 of 4 stars; one submission).

Submission:

CeGaT Center for Human Genetics Tuebingen
Classification: Likely pathogenic. Last evaluated: 2022-05-01. Review status: criteria provided, single submitter. Criteria: CeGaT Center For Human Genetics Tuebingen Variant Classification Criteria Version 2. Collection method: clinical testing. Allele origin: germline. Affected: yes. Observed: 1 variant allele.
Comment: GJC2: PVS1:Strong, PM2

NM_020435.4(GJC2):c.947del (p.Pro316fs)

Gene: GJC2 (gap junction protein gamma 2; plus strand). Cytogenetic location: 1q42.13.
Variant type: Deletion.
Coding change: c.947del on transcript NM_020435.4 (MANE Select); coding-DNA position 947, one base deleted (C; older notation c.947delC).
Protein change: p.Pro316fs; shifts the reading frame from proline 316.
Molecular consequence: frameshift variant.
Genome position (GRCh38, 1-based): chr1:228,158,705, C deleted; the last of 5 consecutive C bases (chr1:228,158,701-228,158,705); deleting any one gives the same sequence. VCF-style (leftmost placement, unchanged base first): chr1-228158700-GC-G. GRCh37 (hg19) VCF-style: chr1-228346401-GC-G.
Other names: short protein forms P316fs.
Identifiers: ClinVar variation 1694549 (VCV001694549.31), dbSNP rs2124966840, ClinGen allele CA2580062268.